The following is an entry in ClinVar:

NM_004336.5(BUB1):c.2822G>C (p.Gly941Ala)

Gene: BUB1 (BUB1 mitotic checkpoint serine/threonine kinase; minus strand). Cytogenetic location: 2q13.
Variant type: single nucleotide variant.
Coding change: c.2822G>C on transcript NM_004336.5 (MANE Select); coding-DNA position 2822, G replaced by C.
Protein change: p.Gly941Ala; replaces glycine 941 with alanine.
Molecular consequence: missense variant.
Genome position (GRCh38, 1-based): chr2:110,641,167, C>G on the plus strand (G>C on the coding strand, the complement: BUB1 is on the minus strand). VCF-style: chr2-110641167-C-G. GRCh37 (hg19) VCF-style: chr2-111398744-C-G.
Other names: c.2762G>C, p.Gly921Ala (NM_001278616.2); c.2651G>C, p.Gly884Ala (NM_001278617.2); short protein forms G941A, G884A, G921A.
Identifiers: ClinVar variation 2451262 (VCV002451262.2), dbSNP rs2467970485, ClinGen allele CA348089218.

ClinVar aggregate classification (germline): Uncertain significance (1 of 4 stars; one submission).

Submission:

Ambry Genetics
Classification: Uncertain significance. Last evaluated: 2023-01-22. Review status: criteria provided, single submitter. Criteria: Ambry Variant Classification Scheme 2023. Collection method: clinical testing. Allele origin: germline.
Comment: The p.G941A variant (also known as c.2822G>C), located in coding exon 23 of the BUB1 gene, results from a G to C substitution at nucleotide position 2822. The glycine at codon 941 is replaced by alanine, an amino acid with similar properties. This amino acid position is conserved. In addition, this alteration is predicted to be tolerated by in silico analysis. Since supporting evidence is limited at this time, the clinical significance of this alteration remains unclear.